The following is an entry in ClinVar:

ClinVar aggregate classification (germline): Uncertain significance (1 of 4 stars; one submission).

Conditions:
Autosomal recessive severe congenital neutropenia due to CSF3R deficiency. Also called: Neutropenia, severe congenital, 7, autosomal recessive. Identifiers: Orphanet 420702, MedGen C4310764, MONDO:0014865, OMIM 617014.

gnomAD v4.1: 4 of 1,613,834 alleles (0.00025%); highest among the groups gnomAD compares: Non-Finnish European, 0.00025%; no homozygotes.

Submission:

Labcorp Genetics (formerly Invitae), Labcorp
Classification: Uncertain significance for Autosomal recessive severe congenital neutropenia due to CSF3R deficiency. Last evaluated: 2024-08-04. Review status: criteria provided, single submitter. Criteria: Invitae Variant Classification Sherloc (09022015). Collection method: clinical testing. Allele origin: germline.
Comment: This sequence change falls in intron 15 of the CSF3R gene. It does not directly change the encoded amino acid sequence of the CSF3R protein. It affects a nucleotide within the consensus splice site. This variant is not present in population databases (gnomAD no frequency). This variant has not been reported in the literature in individuals affected with CSF3R-related conditions. Variants that disrupt the consensus splice site are a relatively common cause of aberrant splicing (PMID: 17576681, 9536098). Algorithms developed to predict the effect of sequence changes on RNA splicing suggest that this variant is not likely to affect RNA splicing. In summary, the available evidence is currently insufficient to determine the role of this variant in disease. Therefore, it has been classified as a Variant of Uncertain Significance.

Literature cited by the submitters: PubMed 17576681; PubMed 9536098.

NM_000760.4(CSF3R):c.1958+3G>A

Gene: CSF3R (colony stimulating factor 3 receptor; minus strand). Cytogenetic location: 1p34.3.
Variant type: single nucleotide variant.
Coding change: c.1958+3G>A on transcript NM_000760.4 (MANE Select); 3 bases into the intron after coding-DNA position 1958, G replaced by A.
Molecular consequence: intron variant.
Genome position (GRCh38, 1-based): chr1:36,467,555, C>T on the plus strand (G>A on the coding strand, the complement: CSF3R is on the minus strand). VCF-style: chr1-36467555-C-T. GRCh37 (hg19) VCF-style: chr1-36933156-C-T.
Other names: c.1958+3G>A (NM_156039.3, NM_172313.3).
Identifiers: ClinVar variation 3611783 (VCV003611783.2).